The following is an entry in ClinVar:

ClinVar aggregate classification (germline): Uncertain significance. Review status: criteria provided, multiple submitters, no conflicts (2 of 4 stars). 2 submissions from 2 submitters: Uncertain significance (2). Last evaluated 2024-05-21.

Conditions:
Bartter disease type 4B. Also called: BARTTER SYNDROME, TYPE 4B, NEONATAL, WITH SENSORINEURAL DEAFNESS; Bartter syndrome, type 4b, digenic; BARTTER SYNDROME, TYPE 4B. Identifiers: Orphanet 112, MedGen C4310805, MONDO:0000909, OMIM 613090.
Bartter disease type 3. Also called: Bartter syndrome type 3. Identifiers: Orphanet 112, Orphanet 93605, MedGen C1846343, MONDO:0011822, OMIM 607364.

Allele frequency attached by ClinVar (database versions not stated): gnomAD 0.00003; ExAC 0.00005; ESP Exome Variant Server 0.00008.
gnomAD v4.1: 119 of 1,613,734 alleles (0.0074%); highest among the groups gnomAD compares: Non-Finnish European, 0.009%; no homozygotes.

Submissions (2):

Fulgent Genetics
Classification: Uncertain significance for Bartter disease type 3; Bartter disease type 4B. Last evaluated: 2024-05-21. Review status: criteria provided, single submitter. Criteria: ACMG Guidelines, 2015. Collection method: clinical testing. Allele origin: germline.

Labcorp Genetics (formerly Invitae), Labcorp
Classification: Uncertain significance. Last evaluated: 2022-08-23. Review status: criteria provided, single submitter. Criteria: Invitae Variant Classification Sherloc (09022015). Collection method: clinical testing. Allele origin: germline.
Comment: This sequence change replaces alanine, which is neutral and non-polar, with valine, which is neutral and non-polar, at codon 77 of the CLCNKB protein (p.Ala77Val). This variant is present in population databases (rs146627440, gnomAD 0.009%). This variant has not been reported in the literature in individuals affected with CLCNKB-related conditions. ClinVar contains an entry for this variant (Variation ID: 1522591). Algorithms developed to predict the effect of missense changes on protein structure and function are either unavailable or do not agree on the potential impact of this missense change (SIFT: "Deleterious"; PolyPhen-2: "Benign"; Align-GVGD: "Class C15"). In summary, the available evidence is currently insufficient to determine the role of this variant in disease. Therefore, it has been classified as a Variant of Uncertain Significance.

NM_000085.5(CLCNKB):c.230C>T (p.Ala77Val)

Genes: CLCNKB (chloride voltage-gated channel Kb; plus strand), LOC106501713 (CLCNKB recombination region; plus strand). Cytogenetic location: 1p36.13.
Variant type: single nucleotide variant.
Coding change: c.230C>T on transcript NM_000085.5 (MANE Select); coding-DNA position 230, C replaced by T.
Protein change: p.Ala77Val; replaces alanine 77 with valine.
Molecular consequence: missense variant.
Genome position (GRCh38, 1-based): chr1:16,046,535, C>T. VCF-style: chr1-16046535-C-T. GRCh37 (hg19) VCF-style: chr1-16373030-C-T.
Other names: short protein forms A77V.
Identifiers: ClinVar variation 1522591 (VCV001522591.5), dbSNP rs146627440, ClinGen allele CA623239.